The following is an entry in ClinVar:

ClinVar aggregate classification (germline): Uncertain significance. Review status: criteria provided, multiple submitters, no conflicts (2 of 4 stars). 2 submissions from 2 submitters: Uncertain significance (2). Last evaluated 2026-06-15.

Conditions:
NKX2-1-Related Disorders. Also called: NKX2-1-related disorder. Identifiers: MedGen CN381057.
Inborn genetic diseases. Identifiers: MedGen C0950123, MeSH D030342.

Submissions (2):

PreventionGenetics, part of Exact Sciences
Classification: Uncertain significance for NKX2-1-related condition. Last evaluated: 2026-06-15. Review status: criteria provided, single submitter. Criteria: ACMG Guidelines, 2015. Collection method: clinical testing. Allele origin: germline.
Comment: The NKX2-1 c.896C>T variant is predicted to result in the amino acid substitution p.Pro299Leu. To our knowledge, this variant has not been reported in the literature. This variant is reported in 0.0023% of alleles in individuals of European (Non-Finnish) descent in gnomAD. At this time, the clinical significance of this variant is uncertain due to the absence of conclusive functional and genetic evidence.

Ambry Genetics
Classification: Uncertain significance for Inborn genetic diseases. Last evaluated: 2023-05-26. Review status: criteria provided, single submitter. Criteria: Ambry Variant Classification Scheme 2023. Collection method: clinical testing. Allele origin: germline.

NM_001079668.3(NKX2-1):c.896C>T (p.Pro299Leu)

Genes: NKX2-1 (NK2 homeobox 1; minus strand), SFTA3 (surfactant associated 3; minus strand). Cytogenetic location: 14q13.3.
Variant type: single nucleotide variant.
Coding change: c.896C>T on transcript NM_001079668.3 (MANE Select); coding-DNA position 896, C replaced by T.
Protein change: p.Pro299Leu; replaces proline 299 with leucine.
Molecular consequence: missense variant.
Genome position (GRCh38, 1-based): chr14:36,517,588, G>A on the plus strand (C>T on the coding strand, the complement: NKX2-1 is on the minus strand). VCF-style: chr14-36517588-G-A. GRCh37 (hg19) VCF-style: chr14-36986793-G-A.
Other names: c.896C>T (NM_001079668.2); c.806C>T, p.Pro269Leu (NM_003317.4); short protein forms P269L, P299L.
Identifiers: ClinVar variation 2516441 (VCV002516441.3), dbSNP rs779736041, ClinGen allele CA7158436.